The following is an entry in ClinVar:

ClinVar aggregate classification (germline): Uncertain significance (1 of 4 stars; one submission).

Submission:

Labcorp Genetics (formerly Invitae), Labcorp
Classification: Uncertain significance. Last evaluated: 2021-07-09. Review status: criteria provided, single submitter. Criteria: Invitae Variant Classification Sherloc (09022015). Collection method: clinical testing. Allele origin: germline.
Comment: This sequence change replaces proline with alanine at codon 409 of the PCARE protein (p.Pro409Ala). The proline residue is highly conserved and there is a small physicochemical difference between proline and alanine. This variant is not present in population databases (ExAC no frequency). This variant has not been reported in the literature in individuals affected with PCARE-related conditions. Algorithms developed to predict the effect of missense changes on protein structure and function output the following: SIFT: "Tolerated"; PolyPhen-2: "Benign"; Align-GVGD: "Class C0". The alanine amino acid residue is found in multiple mammalian species, which suggests that this missense change does not adversely affect protein function. In summary, the available evidence is currently insufficient to determine the role of this variant in disease. Therefore, it has been classified as a Variant of Uncertain Significance.

NM_001029883.3(PCARE):c.1225C>G (p.Pro409Ala)

Gene: PCARE (photoreceptor cilium actin regulator; minus strand). Cytogenetic location: 2p23.2.
Variant type: single nucleotide variant.
Coding change: c.1225C>G on transcript NM_001029883.3 (MANE Select); coding-DNA position 1225, C replaced by G.
Protein change: p.Pro409Ala; replaces proline 409 with alanine.
Molecular consequence: missense variant.
Genome position (GRCh38, 1-based): chr2:29,073,037, G>C on the plus strand (C>G on the coding strand, the complement: PCARE is on the minus strand). VCF-style: chr2-29073037-G-C. GRCh37 (hg19) VCF-style: chr2-29295903-G-C.
Other names: short protein forms P409A.
Identifiers: ClinVar variation 1489554 (VCV001489554.8), dbSNP rs2148416455, ClinGen allele CA346480637.